The following is an entry in ClinVar:

ClinVar aggregate classification (germline): Uncertain significance (1 of 4 stars; one submission).

Conditions:
Ullrich congenital muscular dystrophy 2 (UCMD2). Identifiers: Orphanet 75840, MedGen C4225314, MONDO:0014654, OMIM 616470.
Bethlem myopathy 2 (BTHLM2). Identifiers: Orphanet 536516, Orphanet 610, MedGen C4225313, MONDO:0034022, OMIM 616471.

Allele frequency attached by ClinVar (database versions not stated): gnomAD exomes below 0.00001.
gnomAD v4.1: 2 of 1,614,106 alleles (0.00012%); highest among the groups gnomAD compares: Non-Finnish European, 0.00017%; no homozygotes.

Submission:

Labcorp Genetics (formerly Invitae), Labcorp
Classification: Uncertain significance for Bethlem myopathy 2; Ullrich congenital muscular dystrophy 2. Last evaluated: 2025-01-03. Review status: criteria provided, single submitter. Criteria: Invitae Variant Classification Sherloc (09022015). Collection method: clinical testing. Allele origin: germline.
Comment: This sequence change replaces glycine, which is neutral and non-polar, with cysteine, which is neutral and slightly polar, at codon 1883 of the COL12A1 protein (p.Gly1883Cys). This variant is not present in population databases (gnomAD no frequency). This variant has not been reported in the literature in individuals affected with COL12A1-related conditions. ClinVar contains an entry for this variant (Variation ID: 2929984). Invitae Evidence Modeling of protein sequence and biophysical properties (such as structural, functional, and spatial information, amino acid conservation, physicochemical variation, residue mobility, and thermodynamic stability) indicates that this missense variant is expected to disrupt COL12A1 protein function with a positive predictive value of 80%. In summary, the available evidence is currently insufficient to determine the role of this variant in disease. Therefore, it has been classified as a Variant of Uncertain Significance.

NM_004370.6(COL12A1):c.5647G>T (p.Gly1883Cys)

Gene: COL12A1 (collagen type XII alpha 1 chain; minus strand). Cytogenetic location: 6q13.
Variant type: single nucleotide variant.
Coding change: c.5647G>T on transcript NM_004370.6 (MANE Select); coding-DNA position 5647, G replaced by T.
Protein change: p.Gly1883Cys; replaces glycine 1883 with cysteine.
Molecular consequence: missense variant.
Genome position (GRCh38, 1-based): chr6:75,133,875, C>A on the plus strand (G>T on the coding strand, the complement: COL12A1 is on the minus strand). VCF-style: chr6-75133875-C-A. GRCh37 (hg19) VCF-style: chr6-75843591-C-A.
Other names: c.5647G>T, p.Gly1883Cys (NM_001424113.1); c.5626G>T, p.Gly1876Cys (NM_001424114.1); c.5374G>T, p.Gly1792Cys (NM_001424115.1); c.2155G>T, p.Gly719Cys (NM_001424116.1, NM_080645.3); short protein forms G1792C, G719C, G1876C, G1883C.
Identifiers: ClinVar variation 2929984 (VCV002929984.3), dbSNP rs1243043714, ClinGen allele CA364734744.